The following is an entry in ClinVar:

NM_000218.3(KCNQ1):c.1456G>C (p.Ala486Pro)

Genes: KCNQ1 (potassium voltage-gated channel subfamily Q member 1; plus strand), KCNQ1OT1 (KCNQ1 opposite strand/antisense transcript 1; minus strand). Cytogenetic location: 11p15.5.
Variant type: single nucleotide variant.
Coding change: c.1456G>C on transcript NM_000218.3 (MANE Select); coding-DNA position 1456, G replaced by C.
Protein change: p.Ala486Pro; replaces alanine 486 with proline.
Molecular consequence: missense variant.
Genome position (GRCh38, 1-based): chr11:2,662,023, G>C. VCF-style: chr11-2662023-G-C. GRCh37 (hg19) VCF-style: chr11-2683253-G-C.
Other names: c.1360G>C, p.Ala454Pro (NM_001406836.1); c.1186G>C, p.Ala396Pro (NM_001406837.1); c.916G>C, p.Ala306Pro (NM_001406838.1); c.1075G>C, p.Ala359Pro (NM_181798.2); short protein forms A359P, A486P, A454P, A396P, A306P.
Identifiers: ClinVar variation 220039 (VCV000220039.8), dbSNP rs753256800, ClinGen allele CA349428.

ClinVar aggregate classification (germline): Uncertain significance (1 of 4 stars; one submission).

Conditions:
Long QT syndrome (LQTS). Identifiers: MedGen C0023976, MeSH D008133, MONDO:0002442. Disease mechanism: loss of function. Inheritance: Various modes of inheritance.

Submission:

Labcorp Genetics (formerly Invitae), Labcorp
Classification: Uncertain significance for Long QT syndrome. Last evaluated: 2015-08-28. Review status: criteria provided, single submitter. Criteria: Invitae Variant Classification Sherloc (09022015). Collection method: clinical testing. Allele origin: germline.
Comment: This sequence change replaces alanine with proline at codon 486 of the KCNQ1 protein (p.Ala486Pro). The alanine residue is moderately conserved and there is a small physicochemical difference between alanine and proline. This variant is not present in population databases and has not been reported in the literature. Algorithms developed to predict the effect of missense changes on protein structure and function (SIFT, PolyPhen-2, Align-GVGD) all suggest that this variant is likely to be tolerated, but these predictions have not been confirmed by published functional studies. In summary, this is a novel missense change that is not predicted to affect protein function or cause disease. However, the evidence is insufficient at this time to prove that conclusively. It has been classified as a Variant of Uncertain Significance.